The following is an entry in ClinVar:

ClinVar aggregate classification (germline): Uncertain significance. Review status: criteria provided, single submitter (1 of 4 stars). 2 submissions from 2 submitters: Uncertain significance (1). 1 of the submissions does not count toward it. Last evaluated 2022-02-24.

Conditions:
Neuronopathy, distal hereditary motor, autosomal dominant. Also called: Autosomal dominant distal hereditary motor neuropathy. Identifiers: Orphanet 140465, MedGen C5548212, MONDO:0015362.
Charcot-Marie-Tooth disease axonal type 2S. Also called: CHARCOT-MARIE-TOOTH NEUROPATHY, TYPE 2S; CHARCOT-MARIE-TOOTH DISEASE, AXONAL, AUTOSOMAL RECESSIVE, TYPE 2S. Identifiers: Orphanet 443073, MedGen C4015349, MONDO:0014511, OMIM 616155.
Autosomal recessive distal spinal muscular atrophy 1. Also called: NEURONOPATHY, DISTAL HEREDITARY MOTOR, HARDING TYPE VI; NEUROPATHY, DISTAL HEREDITARY MOTOR, AUTOSOMAL RECESSIVE 1; HMN VI; NEURONOPATHY, SEVERE INFANTILE AXONAL, WITH RESPIRATORY FAILURE; SEVERE INFANTILE AXONAL NEUROPATHY WITH RESPIRATORY FAILURE; SPINAL MUSCULAR ATROPHY, DIAPHRAGMATIC. Identifiers: Orphanet 98920, MedGen C1858517, MONDO:0011436, OMIM 604320.

Allele frequency attached by ClinVar (database versions not stated): TOPMed 0.00002; gnomAD 0.00010.
gnomAD v4.1: 7 of 1,614,044 alleles (0.00043%); highest among the groups gnomAD compares: Non-Finnish European, 0.00051%; no homozygotes.

Submissions (2):

Labcorp Genetics (formerly Invitae), Labcorp
Classification: Uncertain significance for Autosomal recessive distal spinal muscular atrophy 1; Charcot-Marie-Tooth disease axonal type 2S. Last evaluated: 2022-02-24. Review status: criteria provided, single submitter. Criteria: Invitae Variant Classification Sherloc (09022015). Collection method: clinical testing. Allele origin: germline.
Comment: This sequence change replaces alanine, which is neutral and non-polar, with glutamic acid, which is acidic and polar, at codon 609 of the IGHMBP2 protein (p.Ala609Glu). This variant is present in population databases (no rsID available, gnomAD 0.3%). This missense change has been observed in individual(s) with infantile spinal muscular atrophy with respiratory distress type 1 (SMARD1) (PMID: 22157136). ClinVar contains an entry for this variant (Variation ID: 466585). Advanced modeling of protein sequence and biophysical properties (such as structural, functional, and spatial information, amino acid conservation, physicochemical variation, residue mobility, and thermodynamic stability) performed at Invitae indicates that this missense variant is expected to disrupt IGHMBP2 protein function. In summary, the available evidence is currently insufficient to determine the role of this variant in disease. Therefore, it has been classified as a Variant of Uncertain Significance.

Inherited Neuropathy Consortium
Classification: Uncertain significance for Autosomal dominant distal hereditary motor neuropathy. Review status: no assertion criteria provided. Collection method: literature only. Allele origin: germline. Affected: yes. Not counted in ClinVar's aggregate classification.

Literature cited by the submitters: PubMed 22157136 (cited by Labcorp Genetics (formerly Invitae), Labcorp and Inherited Neuropathy Consortium).

NM_002180.3(IGHMBP2):c.1826C>A (p.Ala609Glu)

Gene: IGHMBP2 (immunoglobulin mu DNA binding protein 2; plus strand). Cytogenetic location: 11q13.3.
Variant type: single nucleotide variant.
Coding change: c.1826C>A on transcript NM_002180.3 (MANE Select); coding-DNA position 1826, C replaced by A.
Protein change: p.Ala609Glu; replaces alanine 609 with glutamic acid.
Molecular consequence: missense variant.
Genome position (GRCh38, 1-based): chr11:68,936,306, C>A. VCF-style: chr11-68936306-C-A. GRCh37 (hg19) VCF-style: chr11-68703774-C-A.
Other names: short protein forms A609E.
Identifiers: ClinVar variation 466585 (VCV000466585.7), dbSNP rs776775995, ClinGen allele CA381651647.